The following is an entry in ClinVar:

NM_006295.3(VARS1):c.2169G>C (p.Arg723Ser)

Gene: VARS1 (valyl-tRNA synthetase 1; minus strand). Cytogenetic location: 6p21.33.
Variant type: single nucleotide variant.
Coding change: c.2169G>C on transcript NM_006295.3 (MANE Select); coding-DNA position 2169, G replaced by C.
Protein change: p.Arg723Ser; replaces arginine 723 with serine.
Molecular consequence: missense variant.
Genome position (GRCh38, 1-based): chr6:31,782,159, C>G on the plus strand (G>C on the coding strand, the complement: VARS1 is on the minus strand). VCF-style: chr6-31782159-C-G. GRCh37 (hg19) VCF-style: chr6-31749936-C-G.
Other names: short protein forms R723S.
Identifiers: ClinVar variation 2637807 (VCV002637807.1), dbSNP rs1813197994, ClinGen allele CA363454050.
Genomic context (GRCh38, chr6:31,782,159, plus strand): 5'-CACCGCTGGGTCACTGACAGTGACAAAGTAGGCTGGGATGCGATGGCCCCACCACAGCTG[C>G]CTGGAAATGCACCACTCCCTGCAAATGTCGGGGAGGAGAAATCAGGGAGGGCCTGATGGA-3'
Protein context (NP_006286.1, residues 713-733): MDNIREWCIS[Arg723Ser]QLWWGHRIPA

ClinVar aggregate classification (germline): Uncertain significance (1 of 4 stars; one submission).

Submission:

Women's Health and Genetics/Laboratory Corporation of America, LabCorp
Classification: Uncertain significance. Last evaluated: 2023-10-18. Review status: criteria provided, single submitter. Criteria: LabCorp Variant Classification Summary - May 2015. Collection method: clinical testing. Allele origin: germline.
Comment: Variant summary: VARS1 c.2169G>C (p.Arg723Ser) results in a non-conservative amino acid change located in the class Ia domain (IPR002300) of the encoded protein sequence. Five of five in-silico tools predict a damaging effect of the variant on protein function. The variant was absent in 250474 control chromosomes (gnomAD). The available data on variant occurrences in the general population are insufficient to allow any conclusion about variant significance. To our knowledge, no occurrence of c.2169G>C in individuals affected with Neurodevelopmental Disorder With Microcephaly, Seizures, And Cortical Atrophy and no experimental evidence demonstrating its impact on protein function have been reported. No submitters have cited clinical-significance assessments for this variant to ClinVar after 2014. Based on the evidence outlined above, the variant was classified as uncertain significance.